The following is an entry in ClinVar:

NM_005751.5(AKAP9):c.5771T>C (p.Ile1924Thr)

Gene: AKAP9 (A-kinase anchoring protein 9; plus strand). Cytogenetic location: 7q21.2.
Variant type: single nucleotide variant.
Coding change: c.5771T>C on transcript NM_005751.5 (MANE Select); coding-DNA position 5771, T replaced by C.
Protein change: p.Ile1924Thr; replaces isoleucine 1924 with threonine.
Molecular consequence: missense variant.
Genome position (GRCh38, 1-based): chr7:92,062,280, T>C. VCF-style: chr7-92062280-T-C. GRCh37 (hg19) VCF-style: chr7-91691594-T-C.
Other names: c.416T>C, p.Ile139Thr (NM_001379277.1); c.5771T>C, p.Ile1924Thr (NM_147185.3); short protein forms I139T, I1924T.
Identifiers: ClinVar variation 969290 (VCV000969290.13), dbSNP rs1217996637, ClinGen allele CA368131822.
Genomic context (GRCh38, chr7:92,062,280, plus strand): 5'-TGGTTGAATTTGAAATGAATAATAGTTCTATTTTCTGTTAATTTTGTATTATAGGCGTCA[T>C]TGATGGCTATGCAGATGAAAAAACTCTTTTTGAAAGGCAAATTCAGGAAAAAACTGATAT-3'
Protein context (NP_005742.4, residues 1914-1934): AVELSKAEGV[Ile1924Thr]DGYADEKTLF

ClinVar aggregate classification (germline): Uncertain significance. Review status: criteria provided, multiple submitters, no conflicts (2 of 4 stars). 2 submissions from 2 submitters: Uncertain significance (2). Last evaluated 2023-11-09.

Conditions:
Cardiovascular phenotype. Identifiers: MedGen CN230736.
Long QT syndrome (LQTS). Identifiers: MedGen C0023976, MeSH D008133, MONDO:0002442. Disease mechanism: loss of function. Inheritance: Various modes of inheritance.

Allele frequency attached by ClinVar (database versions not stated): gnomAD 0.00001; gnomAD exomes 0.00001 and 0.00002; TOPMed 0.00001.
gnomAD v4.1: 31 of 1,611,546 alleles (0.0019%); highest among the groups gnomAD compares: Non-Finnish European, 0.0026%; no homozygotes.

Submissions (2):

Ambry Genetics
Classification: Uncertain significance for Cardiovascular phenotype. Last evaluated: 2023-11-09. Review status: criteria provided, single submitter. Criteria: Ambry Variant Classification Scheme 2023. Collection method: clinical testing. Allele origin: germline.
Comment: The p.I1924T variant (also known as c.5771T>C), located in coding exon 24 of the AKAP9 gene, results from a T to C substitution at nucleotide position 5771. The isoleucine at codon 1924 is replaced by threonine, an amino acid with similar properties. This amino acid position is highly conserved in available vertebrate species. In addition, this alteration is predicted to be tolerated by in silico analysis. Since supporting evidence is limited at this time, the clinical significance of this alteration remains unclear.

Labcorp Genetics (formerly Invitae), Labcorp
Classification: Uncertain significance for Long QT syndrome. Last evaluated: 2023-07-25. Review status: criteria provided, single submitter. Criteria: Invitae Variant Classification Sherloc (09022015). Collection method: clinical testing. Allele origin: germline.
Comment: In summary, the available evidence is currently insufficient to determine the role of this variant in disease. Therefore, it has been classified as a Variant of Uncertain Significance. An algorithm developed to predict the effect of missense changes on protein structure and function (PolyPhen-2) suggests that this variant is likely to be disruptive. ClinVar contains an entry for this variant (Variation ID: 969290). This variant has not been reported in the literature in individuals affected with AKAP9-related conditions. This variant is present in population databases (no rsID available, gnomAD 0.003%). This sequence change replaces isoleucine, which is neutral and non-polar, with threonine, which is neutral and polar, at codon 1924 of the AKAP9 protein (p.Ile1924Thr).